The following is an entry in ClinVar:

NM_001127392.3(MYRF):c.2354C>T (p.Thr785Ile)

Gene: MYRF (myelin regulatory factor; plus strand). Cytogenetic location: 11q12.2.
Variant type: single nucleotide variant.
Coding change: c.2354C>T on transcript NM_001127392.3 (MANE Select); coding-DNA position 2354, C replaced by T.
Protein change: p.Thr785Ile; replaces threonine 785 with isoleucine.
Molecular consequence: missense variant.
Genome position (GRCh38, 1-based): chr11:61,780,239, C>T. VCF-style: chr11-61780239-C-T. GRCh37 (hg19) VCF-style: chr11-61547711-C-T.
Other names: c.2327C>T, p.Thr776Ile (NM_013279.4); c.2354C>T (NM_001127392.2); short protein forms T776I, T785I.
Identifiers: ClinVar variation 2522258 (VCV002522258.4), dbSNP rs116727832, ClinGen allele CA6038139.

ClinVar aggregate classification (germline): Uncertain significance. Review status: criteria provided, single submitter (1 of 4 stars). 2 submissions from 2 submitters: Uncertain significance (1). 1 of the submissions does not count toward it. Last evaluated 2023-05-31.

Conditions:
Inborn genetic diseases. Identifiers: MedGen C0950123, MeSH D030342.
MYRF-related disorder. Also called: MYRF-related disorders; MYRF-related condition.

Allele frequency attached by ClinVar (database versions not stated): gnomAD exomes 0.00002; ExAC 0.00012; gnomAD 0.00035; TOPMed 0.00036; 1000 Genomes Project 0.00040; 1000 Genomes Project 30x 0.00047; ESP Exome Variant Server 0.00069.
gnomAD v4.1: 90 of 1,614,114 alleles (0.0056%); highest among the groups gnomAD compares: African/African-American, 0.11%; no homozygotes.

Submissions (2):

Ambry Genetics
Classification: Uncertain significance for Inborn genetic diseases. Last evaluated: 2023-05-31. Review status: criteria provided, single submitter. Criteria: Ambry Variant Classification Scheme 2023. Collection method: clinical testing. Allele origin: germline.

PreventionGenetics, part of Exact Sciences
Classification: Likely benign for MYRF-related condition. Last evaluated: 2022-04-22. Review status: no assertion criteria provided. Collection method: clinical testing. Allele origin: germline. Not counted in ClinVar's aggregate classification.
Comment: This variant is classified as likely benign based on ACMG/AMP sequence variant interpretation guidelines (Richards et al. 2015 PMID: 25741868, with internal and published modifications).